The following is an entry in ClinVar:

NM_153816.6(SNX14):c.794C>T (p.Ser265Phe)

Gene: SNX14 (sorting nexin 14; minus strand). Cytogenetic location: 6q14.3.
Variant type: single nucleotide variant.
Coding change: c.794C>T on transcript NM_153816.6 (MANE Select); coding-DNA position 794, C replaced by T.
Protein change: p.Ser265Phe; replaces serine 265 with phenylalanine.
Molecular consequence: missense variant. On other transcripts: 5 prime UTR variant (7), non-coding transcript variant (6).
Genome position (GRCh38, 1-based): chr6:85,548,374, G>A on the plus strand (C>T on the coding strand, the complement: SNX14 is on the minus strand). VCF-style: chr6-85548374-G-A. GRCh37 (hg19) VCF-style: chr6-86258092-G-A.
Other names: c.794C>T, p.Ser265Phe (NM_001297614.3, NM_001350540.2, NM_001350541.2); c.638C>T, p.Ser213Phe (NM_001304479.2); c.857C>T, p.Ser286Phe (NM_001350532.2); c.791C>T, p.Ser264Phe (NM_001350533.2, NM_001350534.2, NM_001350535.2); c.662C>T, p.Ser221Phe (NM_001350536.2, NM_020468.6); c.659C>T, p.Ser220Phe (NM_001350537.2); c.650C>T, p.Ser217Phe (NM_001350538.2); c.635C>T, p.Ser212Phe (NM_001350539.2); and 7 more; short protein forms S117F, S165F, S168F, S169F, S212F, S213F, S217F, S220F.
Identifiers: ClinVar variation 1716893 (VCV001716893.6), dbSNP rs756546175, ClinGen allele CA3912327.
Genomic context (GRCh38, chr6:85,548,374, plus strand): 5'-AAATCCAAAGAAGGAAGGAACACAGAGCCAGACAGAATCTCTCTTATAAGTAAGGTCAGA[G>A]ATCTGGAAAAAGAAATAATAATAATTGTTTATATTTAGTGATTTATATTAGTTCTTAACT-3'
Protein context (NP_722523.1, residues 255-275): ILPPKATDCR[Ser265Phe]LTLLIREILS

ClinVar aggregate classification (germline): Uncertain significance (1 of 4 stars; one submission).

Allele frequency attached by ClinVar (database versions not stated): gnomAD exomes below 0.00001; ExAC 0.00001.
gnomAD v4.1: 1 of 1,584,792 alleles (0.000063%); highest among the groups gnomAD compares: South Asian, 0.0012%; no homozygotes.

Submission:

Labcorp Genetics (formerly Invitae), Labcorp
Classification: Uncertain significance. Last evaluated: 2023-08-10. Review status: criteria provided, single submitter. Criteria: Invitae Variant Classification Sherloc (09022015). Collection method: clinical testing. Allele origin: germline.
Comment: In summary, the available evidence is currently insufficient to determine the role of this variant in disease. Therefore, it has been classified as a Variant of Uncertain Significance. An algorithm developed to predict the effect of missense changes on protein structure and function (PolyPhen-2) suggests that this variant is likely to be disruptive. ClinVar contains an entry for this variant (Variation ID: 1716893). This variant has not been reported in the literature in individuals affected with SNX14-related conditions. This variant is present in population databases (rs756546175, gnomAD 0.004%). This sequence change replaces serine, which is neutral and polar, with phenylalanine, which is neutral and non-polar, at codon 265 of the SNX14 protein (p.Ser265Phe).